The following is an entry in ClinVar:

ClinVar aggregate classification (germline): Pathogenic/Likely pathogenic. Review status: criteria provided, multiple submitters, no conflicts (2 of 4 stars). 4 submissions from 4 submitters: Pathogenic (1); Likely pathogenic (3). Last evaluated 2025-11-27.

Conditions:
Hirschsprung disease, susceptibility to, 2. Identifiers: Orphanet 388, MedGen C1838564, MONDO:0010833, OMIM 600155.
Monogenic hearing loss.

Allele frequency attached by ClinVar (database versions not stated): TOPMed below 0.00001.

Submissions (5):

Genetics Laboratory, Great Ormond Street Hospital NHS Foundation Trust, North Thames Genomic Laboratory Hub
Classification: Likely pathogenic for Monogenic hearing loss. Last evaluated: 2025-11-27. Review status: criteria provided, single submitter. Criteria: ACGS Best Practice Guidelines for Variant Classification in Rare Disease 2024 v1.2. Collection method: clinical testing. Allele origin: germline. Affected: yes.
Comment: PM2_moderate, PVS1_strong, PP4_supporting

Labcorp Genetics (formerly Invitae), Labcorp
Classification: Likely pathogenic. Last evaluated: 2024-04-25. Review status: criteria provided, single submitter. Criteria: Invitae Variant Classification Sherloc (09022015). Collection method: clinical testing. Allele origin: germline.
Comment: This sequence change affects a donor splice site in intron 3 of the EDNRB gene. It is expected to disrupt RNA splicing. Variants that disrupt the donor or acceptor splice site typically lead to a loss of protein function (PMID: 16199547), and loss-of-function variants in EDNRB are known to be pathogenic (PMID: 8001159, 10528251, 20127975, 30394532). This variant is not present in population databases (gnomAD no frequency). This variant has not been reported in the literature in individuals affected with EDNRB-related conditions. ClinVar contains an entry for this variant (Variation ID: 1683916). Algorithms developed to predict the effect of sequence changes on RNA splicing suggest that this variant may disrupt the consensus splice site. In summary, the currently available evidence indicates that the variant is pathogenic, but additional data are needed to prove that conclusively. Therefore, this variant has been classified as Likely Pathogenic.

Victorian Clinical Genetics Services, Murdoch Childrens Research Institute
Classification: Likely pathogenic for Hirschsprung disease, susceptibility to, 2. Last evaluated: 2022-06-24. Review status: criteria provided, single submitter. Criteria: ACMG Guidelines, 2015. Collection method: clinical testing. Allele origin: germline. Inheritance: Autosomal dominant inheritance. Affected: yes.
Comment: Based on the classification scheme VCGS_Germline_v1.3.4, this variant is classified as Likely pathogenic. Following criteria are met: 0102 - Loss of function is a known mechanism of disease in this gene and is associated with EDNRB-related conditions. (I) 0108 - This gene is associated with both recessive and dominant disease. Autosomal recessive variants are associated with Waardenburg syndrome 4A (MIM#277580) while a heterozygotes have isolated Hirschprung disease (MIM#600155). (I) 0112 - The condition associated with this gene has incomplete penetrance. Both biallelic and monoallelic variants in EDNRB have been observed to have incomplete penetrance (PMIDs: 24311220, 2823634). (I) 0115 - Variants in this gene are known to have variable expressivity. Intrafamilial variability has been reported (PMID: 34422713). (I) 0211 - Canonical splice site variant without proven consequence on splicing (no functional evidence available). (SP) 0251 - This variant is heterozygous. (I) 0301 - Variant is absent from gnomAD (both v2 and v3). (SP) 0505 - Abnormal splicing is predicted by in silico tools and affected nucleotide is highly conserved. (SP) 0705 - No comparable splice region variants have previous evidence for pathogenicity. (I) 0807 - This variant has no previous evidence of pathogenicity. (I) 0905 - No published segregation evidence has been identified for this variant. (I) 1007 - No published functional evidence has been identified for this variant. (I) Legend: (SP) - Supporting pathogenic, (I) - Information, (SB) - Supporting benign

GeneDx
Classification: Pathogenic. Last evaluated: 2021-10-22. Review status: criteria provided, single submitter. Criteria: GeneDx Variant Classification Process June 2021. Collection method: clinical testing. Allele origin: germline. Affected: yes.
Comment: Canonical splice site variant predicted to result in a null allele in a gene for which loss-of-function is a known mechanism of disease; Not observed at significant frequency in large population cohorts (gnomAD); Has not been previously published as pathogenic or benign to our knowledge

Dr. Peter K. Rogan Lab, Western University
No classification provided (evidence only). Condition: Melanoma. Review status: no classification provided. Collection method: in vitro. Allele origin: not applicable. Functional consequence: retained intron. Not counted in ClinVar's aggregate classification.

Literature cited by the submitters: PubMed 16199547 (cited by Labcorp Genetics (formerly Invitae), Labcorp); PubMed 8001159 (cited by Labcorp Genetics (formerly Invitae), Labcorp); PubMed 10528251 (cited by Labcorp Genetics (formerly Invitae), Labcorp); PubMed 20127975 (cited by Labcorp Genetics (formerly Invitae), Labcorp); PubMed 30394532 (cited by Labcorp Genetics (formerly Invitae), Labcorp); PubMed 24311220 (cited by Victorian Clinical Genetics Services, Murdoch Childrens Research Institute); PubMed 28236341 (cited by Victorian Clinical Genetics Services, Murdoch Childrens Research Institute); PubMed 34422713 (cited by Victorian Clinical Genetics Services, Murdoch Childrens Research Institute).

NM_001122659.3(EDNRB):c.596+1G>A

Genes: EDNRB (endothelin receptor type B; minus strand), EDNRB-AS1 (EDNRB antisense RNA 1; plus strand). Cytogenetic location: 13q22.3.
Variant type: single nucleotide variant.
Coding change: c.596+1G>A on transcript NM_001122659.3 (MANE Select); the canonical splice donor site of the intron after coding-DNA position 596, G replaced by A.
Molecular consequence: splice donor variant.
Genome position (GRCh38, 1-based): chr13:77,903,494, C>T on the plus strand (G>A on the coding strand, the complement: EDNRB is on the minus strand). VCF-style: chr13-77903494-C-T. GRCh37 (hg19) VCF-style: chr13-78477629-C-T.
Other names: c.596+1G>A (NM_001122659.2, NM_000115.5, NM_003991.4); c.866+1G>A (NM_001201397.2).
Identifiers: ClinVar variation 1683916 (VCV001683916.7), dbSNP rs1879111145, ClinGen allele CA388451272.